The following is an entry in ClinVar:

NM_052925.4(LENG8):c.1288C>T (p.Arg430Cys)

Gene: LENG8 (leukocyte receptor cluster member 8; plus strand). Cytogenetic location: 19q13.42.
Variant type: single nucleotide variant.
Coding change: c.1288C>T on transcript NM_052925.4 (MANE Select); coding-DNA position 1288, C replaced by T.
Protein change: p.Arg430Cys; replaces arginine 430 with cysteine.
Molecular consequence: missense variant.
Genome position (GRCh38, 1-based): chr19:54,456,229, C>T. VCF-style: chr19-54456229-C-T. GRCh37 (hg19) VCF-style: chr19-54967408-C-T.
Other names: c.1288C>T, p.Arg430Cys (NM_001375638.1, NM_001375640.1, NM_001375641.1); c.1234C>T, p.Arg412Cys (NM_001375639.1); c.1177C>T, p.Arg393Cys (NM_001411063.1); short protein forms R393C, R412C, R430C.
Identifiers: ClinVar variation 3052389 (VCV003052389.2), dbSNP rs75472495, ClinGen allele CA309658658.

ClinVar aggregate classification (germline): Benign (0 of 4 stars; one submission).

Conditions:
LENG8-related disorder. Also called: LENG8-related condition.

Allele frequency attached by ClinVar (database versions not stated): 1000 Genomes Project 30x 0.00078; 1000 Genomes Project 0.00080; TOPMed 0.00124; gnomAD 0.00188; ESP Exome Variant Server 0.00215; ExAC 0.00235; gnomAD exomes 0.00246.
gnomAD v4.1: 3,815 of 1,613,250 alleles (0.24%); highest among the groups gnomAD compares: Non-Finnish European, 0.27%; 11 homozygotes.

Submission:

PreventionGenetics, part of Exact Sciences
Classification: Benign for LENG8-related condition. Last evaluated: 2019-08-15. Review status: no assertion criteria provided. Collection method: clinical testing. Allele origin: germline.
Comment: This variant is classified as benign based on ACMG/AMP sequence variant interpretation guidelines (Richards et al. 2015 PMID: 25741868, with internal and published modifications).